The following is an entry in ClinVar:

NM_000053.4(ATP7B):c.406A>G (p.Arg136Gly)

Gene: ATP7B (ATPase copper transporting beta; minus strand). Cytogenetic location: 13q14.3.
Variant type: single nucleotide variant.
Coding change: c.406A>G on transcript NM_000053.4 (MANE Select); coding-DNA position 406, A replaced by G.
Protein change: p.Arg136Gly; replaces arginine 136 with glycine.
Molecular consequence: missense variant.
Genome position (GRCh38, 1-based): chr13:51,974,814, T>C on the plus strand (A>G on the coding strand, the complement: ATP7B is on the minus strand). VCF-style: chr13-51974814-T-C. GRCh37 (hg19) VCF-style: chr13-52548950-T-C.
Other names: c.406A>G, p.Arg136Gly (NM_001005918.3, NM_001243182.2, NM_001330578.2 and 1 more transcripts); short protein forms R136G.
Identifiers: ClinVar variation 759402 (VCV000759402.24), dbSNP rs557577836, ClinGen allele CA6989568.
Genomic context (GRCh38, chr13:51,974,814, plus strand): 5'-ACTGGCAGGTCATGCCCTCCACCCGGAGCTTGACCACAGCCTCCTGGGCAGGCAAGGACC[T>C]TGAGGGCCAGGAGGCTGCCTTTCCTTCTGCAATGCTGGCCTCGAAGCCCATGTCCCCAAT-3'
Protein context (NP_000044.2, residues 126-146): AEGKAASWPS[Arg136Gly]SLPAQEAVVK

ClinVar aggregate classification (germline): Conflicting classifications of pathogenicity. Review status: criteria provided, conflicting classifications (1 of 4 stars). 9 submissions from 9 submitters: Uncertain significance (6); Likely benign (3). Last evaluated 2026-06-12.

Conditions:
ATP7B-related disorder. Also called: ATP7B-related condition.
Wilson disease (WND). Also called: Wilson's disease. Identifiers: Orphanet 905, MedGen C0019202, MONDO:0010200, OMIM 277900. Disease mechanism: loss of function.

Allele frequency attached by ClinVar (database versions not stated): TOPMed 0.00001; 1000 Genomes Project 0.00060; 1000 Genomes Project 30x 0.00062.
gnomAD v4.1: 238 of 1,614,210 alleles (0.015%); highest among the groups gnomAD compares: South Asian, 0.24%; 3 homozygotes.

Submissions (9):

PreventionGenetics, part of Exact Sciences
Classification: Uncertain significance for ATP7B-related condition. Last evaluated: 2026-06-12. Review status: criteria provided, single submitter. Criteria: ACMG Guidelines, 2015. Collection method: clinical testing. Allele origin: germline.
Comment: The ATP7B c.406A>G variant is predicted to result in the amino acid substitution p.Arg136Gly. This variant was reported in a cohort of individuals with Wilson disease (Mukherjee et al. 2014. PubMed ID: 24094725) and in an individual with autism and epilepsy (supplementary data, McCreary et al. 2019. PubMed ID: 31664448). This variant was also reported in a cohort of individuals with a suspected inborn error of metabolism (supplementary data, Sriretnakumar et al. 2018. PubMed ID: 30556376). However, other studies suggest that this variant may have low penetrance or could be a benign polymorphism (Wallace et al. 2020. PubMed ID: 32248359; Calvo et al. 2025. PubMed ID: 40661833). Additionally, this variant is reported in 0.25% of alleles in individuals of South Asian descent in gnomAD, which may be too frequent to be a primary cause of disease. Although we suspect that this variant may be benign, at this time, the clinical significance of this variant is uncertain due to the absence of conclusive functional and genetic evidence.

Women's Health and Genetics/Laboratory Corporation of America, LabCorp
Classification: Likely benign. Last evaluated: 2026-05-01. Review status: criteria provided, single submitter. Criteria: LabCorp Variant Classification Summary - May 2015. Collection method: clinical testing. Allele origin: germline.
Comment: Variant summary: ATP7B c.406A>G (p.Arg136Gly) results in a non-conservative amino acid change in the encoded protein sequence. Algorithms developed to predict the effect of missense changes on protein structure and function are either unavailable or do not agree on the potential impact of this missense change. The variant allele was found at a frequency of 0.00015 in 1614210 control chromosomes, predominantly at a frequency of 0.0024 within the South Asian subpopulation in the gnomAD database, including 3 homozygotes. c.406A>G has been reported in the literature in individuals affected with Wilson Disease (Mukherjee_2014), Bipolar Disorder (Sriretnakumar_2019) and Neuroinflammation (McCreary_2019). These report(s) do not provide unequivocal conclusions about association of the variant with Wilson Disease. At least one publication reports experimental evidence evaluating an impact on protein function (Calvo_2025). These results showed no damaging effect of this variant. The following publications have been ascertained in the context of this evaluation (PMID: 40661833, 31664448, 24094725, 30556376). ClinVar contains an entry for this variant (Variation ID: 759402). Based on the evidence outlined above, the variant was classified as likely benign.

Labcorp Genetics (formerly Invitae), Labcorp
Classification: Likely benign for Wilson disease. Last evaluated: 2026-01-26. Review status: criteria provided, single submitter. Criteria: Invitae Variant Classification Sherloc (09022015). Collection method: clinical testing. Allele origin: germline.

Revvity Omics, Revvity
Classification: Uncertain significance for Wilson disease. Last evaluated: 2024-08-18. Review status: criteria provided, single submitter. Criteria: ACMG Guidelines, 2015. Collection method: clinical testing. Allele origin: germline.

Fulgent Genetics
Classification: Uncertain significance for Wilson disease. Last evaluated: 2024-02-08. Review status: criteria provided, single submitter. Criteria: ACMG Guidelines, 2015. Collection method: clinical testing. Allele origin: germline.

Color Diagnostics, LLC DBA Color Health
Classification: Uncertain significance for Wilson disease. Last evaluated: 2023-08-05. Review status: criteria provided, single submitter. Criteria: ACMG Guidelines, 2015. Collection method: clinical testing. Allele origin: germline.
Comment: This missense variant replaces arginine with glycine at codon 136 of the ATP7B protein. Computational prediction suggests that this variant may not impact protein structure and function. To our knowledge, functional studies have not been reported for this variant. This variant has been reported in one individual affected with autosomal dominant Wilson disease (PMID: 24094725). This variant has been identified in 77/249348 chromosomes in the general population by the Genome Aggregation Database (gnomAD). The available evidence is insufficient to determine the role of this variant in disease conclusively. Therefore, this variant is classified as a Variant of Uncertain Significance.

Neuberg Centre For Genomic Medicine, NCGM
Classification: Uncertain significance for Wilson disease. Last evaluated: 2023-06-22. Review status: criteria provided, single submitter. Criteria: ACMG Guidelines, 2015. Collection method: clinical testing. Allele origin: germline. Inheritance: Autosomal recessive inheritance. Affected: yes.
Comment: The missense variant c.406A>Gp.Arg136Gly in ATP7B gene has been reported in multiple individuals with ATP7B related disorders Sriretnakumar et. al., 2019; Mukherjee et. al., 2014. The observed variant has allele frequency of 0.03% in gnomAD exomes database. This variant has been submitted to the ClinVar database as Likely benign / Uncertain Significance. Multiple lines of computational evidence Polyphen - Benign, SIFT - Tolerated and MutationTaster - Polymorphism predict no damaging effect on protein structure and function for this variant. The reference amino acid change p.Arg136Gly in ATP7B is predicted as conserved by GERP++ and PhyloP across 100 vertebrates. The amino acid Arg at position 136 is changed to a Gly changing protein sequence and it might alter its composition and physico-chemical properties. For these reasons, this variant has been classified as Uncertain Significance VUS. In the absence of another reportable variant in ATP7B gene, the molecular diagnosis is not confirmed.

Genome-Nilou Lab
Classification: Likely benign for Wilson disease. Last evaluated: 2021-08-10. Review status: criteria provided, single submitter. Criteria: ACMG Guidelines, 2015. Collection method: clinical testing. Allele origin: germline. Affected: no.

Illumina Laboratory Services, Illumina
Classification: Uncertain significance for Wilson disease. Last evaluated: 2017-04-27. Review status: criteria provided, single submitter. Criteria: ICSL Variant Classification Criteria 13 December 2019. Collection method: clinical testing. Allele origin: germline.
Comment: This variant was observed as part of a predisposition screen in an ostensibly healthy population. A literature search was performed for the gene, cDNA change, and amino acid change (where applicable). Publications were found based on this search. However, the evidence from the literature, in combination with allele frequency data from public databases where available, was not sufficient to rule this variant in or out of causing disease. Therefore, this variant is classified as a variant of unknown significance.

Literature cited by the submitters: PubMed 24094725 (cited by 3 submitters); PubMed 30556376 (cited by Women's Health and Genetics/Laboratory Corporation of America, LabCorp); PubMed 31664448 (cited by Women's Health and Genetics/Laboratory Corporation of America, LabCorp); PubMed 40661833 (cited by Women's Health and Genetics/Laboratory Corporation of America, LabCorp).